The following is an entry in ClinVar:

ClinVar aggregate classification (germline): Conflicting classifications of pathogenicity. Review status: criteria provided, conflicting classifications (1 of 4 stars). 3 submissions from 3 submitters: Uncertain significance (2); Likely benign (1). Last evaluated 2025-12-31.

Conditions:
Arrhythmogenic cardiomyopathy with wooly hair and keratoderma. Also called: PALMOPLANTAR KERATODERMA WITH LEFT VENTRICULAR CARDIOMYOPATHY AND WOOLLY HAIR; Arrhythmogenic cardiomyopathy with woolly hair and keratoderma; Dilated cardiomyopathy with woolly hair and keratoderma; Carvajal syndrome. Identifiers: Orphanet 65282, MedGen C1854063, MONDO:0011581, OMIM 605676.
Arrhythmogenic right ventricular dysplasia 8 (ARVD8). Also called: ARRHYTHMOGENIC RIGHT VENTRICULAR CARDIOMYOPATHY 8; ARRHYTHMOGENIC RIGHT VENTRICULAR DYSPLASIA, FAMILIAL, 8; Arrhythmogenic Right Ventricular Dysplasia/Cardiomyopathy 8. Identifiers: MedGen C1843896, MONDO:0011831, OMIM 607450.
Cardiovascular phenotype. Identifiers: MedGen CN230736.

Allele frequency attached by ClinVar (database versions not stated): gnomAD exomes below 0.00001; TOPMed 0.00001.
gnomAD v4.1: 1 of 1,614,120 alleles (0.000062%); highest among the groups gnomAD compares: African/African-American, 0.0013%; no homozygotes.

Submissions (3):

Women's Health and Genetics/Laboratory Corporation of America, LabCorp
Classification: Uncertain significance. Last evaluated: 2025-12-31. Review status: criteria provided, single submitter. Criteria: LabCorp Variant Classification Summary - May 2015. Collection method: clinical testing. Allele origin: germline.
Comment: Variant summary: DSP c.2159C>G (p.Ala720Gly) results in a non-conservative amino acid change in the encoded protein sequence. Algorithms developed to predict the effect of missense changes on protein structure and function are either unavailable or do not agree on the potential impact of this missense change. The variant allele was found at a frequency of 4e-06 in 251326 control chromosomes. The available data on variant occurrences in the general population are insufficient to allow any conclusion about variant significance. To our knowledge, no occurrence of c.2159C>G in individuals affected with DSP-related conditions and no experimental evidence demonstrating its impact on protein function have been reported. ClinVar contains an entry for this variant (Variation ID: 519012). Based on the evidence outlined above, the variant was classified as uncertain significance.

Labcorp Genetics (formerly Invitae), Labcorp
Classification: Likely benign for Arrhythmogenic cardiomyopathy with wooly hair and keratoderma; Arrhythmogenic right ventricular dysplasia 8. Last evaluated: 2024-09-27. Review status: criteria provided, single submitter. Criteria: Invitae Variant Classification Sherloc (09022015). Collection method: clinical testing. Allele origin: germline.

Ambry Genetics
Classification: Uncertain significance for Cardiovascular phenotype. Last evaluated: 2024-01-04. Review status: criteria provided, single submitter. Criteria: Ambry Variant Classification Scheme 2023. Collection method: clinical testing. Allele origin: germline.
Comment: The p.A720G variant (also known as c.2159C>G), located in coding exon 16 of the DSP gene, results from a C to G substitution at nucleotide position 2159. The alanine at codon 720 is replaced by glycine, an amino acid with similar properties. This amino acid position is highly conserved in available vertebrate species. In addition, this alteration is predicted to be tolerated by in silico analysis. Since supporting evidence is limited at this time, the clinical significance of this alteration remains unclear.

NM_004415.4(DSP):c.2159C>G (p.Ala720Gly)

Gene: DSP (desmoplakin; plus strand). Cytogenetic location: 6p24.3.
Variant type: single nucleotide variant.
Coding change: c.2159C>G on transcript NM_004415.4 (MANE Select); coding-DNA position 2159, C replaced by G.
Protein change: p.Ala720Gly; replaces alanine 720 with glycine.
Molecular consequence: missense variant.
Genome position (GRCh38, 1-based): chr6:7,574,114, C>G. VCF-style: chr6-7574114-C-G. GRCh37 (hg19) VCF-style: chr6-7574347-C-G.
Other names: c.2159C>G (LRG_423t1); c.2159C>G, p.Ala720Gly (NM_001008844.3, NM_001319034.2); short protein forms A720G.
Identifiers: ClinVar variation 519012 (VCV000519012.15), dbSNP rs1261146655, ClinGen allele CA362680697.